The following is an entry in ClinVar:

ClinVar aggregate classification (germline): Uncertain significance. Review status: criteria provided, multiple submitters, no conflicts (2 of 4 stars). 3 submissions from 3 submitters: Uncertain significance (2). 1 of the submissions does not count toward it. Last evaluated 2025-07-31.

Conditions:
Nephronophthisis. Also called: Juvenile Nephronophthisis. Identifiers: Orphanet 655, MedGen C0687120, MONDO:0019005, HP:0000090.
NPHP1-related disorder. Also called: NPHP1-related condition; NPHP1-related disorders.

Allele frequency attached by ClinVar (database versions not stated): ExAC 0.00001; gnomAD 0.00001; gnomAD exomes 0.00001 and 0.00002; TOPMed 0.00001; 1000 Genomes Project 30x 0.00016.

Submissions (3):

Labcorp Genetics (formerly Invitae), Labcorp
Classification: Uncertain significance for Nephronophthisis. Last evaluated: 2025-07-31. Review status: criteria provided, single submitter. Criteria: Invitae Variant Classification Sherloc (09022015). Collection method: clinical testing. Allele origin: germline.
Comment: This variant, c.385_387del, results in the deletion of 1 amino acid(s) of the NPHP1 protein (p.Ser129del), but otherwise preserves the integrity of the reading frame. This variant is present in population databases (rs753643526, gnomAD 0.007%). This variant has not been reported in the literature in individuals affected with NPHP1-related conditions. ClinVar contains an entry for this variant (Variation ID: 497957). Experimental studies and prediction algorithms are not available or were not evaluated, and the functional significance of this variant is currently unknown. In summary, the available evidence is currently insufficient to determine the role of this variant in disease. Therefore, it has been classified as a Variant of Uncertain Significance.

Eurofins Ntd Llc (ga)
Classification: Uncertain significance. Last evaluated: 2016-10-11. Review status: criteria provided, single submitter. Criteria: EGL Classification Definitions 2015. Collection method: clinical testing. Allele origin: germline. Observed: 1 variant allele, 1 heterozygote.

PreventionGenetics, part of Exact Sciences
Classification: Uncertain significance for NPHP1-related condition. Last evaluated: 2024-08-23. Review status: no assertion criteria provided. Collection method: clinical testing. Allele origin: germline. Not counted in ClinVar's aggregate classification.
Comment: The NPHP1 c.385_387delAGT variant is predicted to result in an in-frame deletion (p.Ser129del). To our knowledge, this variant has not been reported in the literature. This variant is reported in 0.0062% of alleles in individuals of African descent in gnomAD. At this time, the clinical significance of this variant is uncertain due to the absence of conclusive functional and genetic evidence.

NM_001128178.3(NPHP1):c.385_387del (p.Ser129del)

Gene: NPHP1 (nephrocystin 1; minus strand). Cytogenetic location: 2q13.
Variant type: Deletion.
Coding change: c.385_387del on transcript NM_001128178.3 (MANE Select); coding-DNA positions 385 to 387, 3 bases deleted (AGT; older notation c.385_387delAGT).
Protein change: p.Ser129del; deletes serine 129.
Molecular consequence: inframe deletion.
Genome position (GRCh38, 1-based): chr2:110,169,941-110,169,943, ACT deleted on the plus strand (AGT on the coding strand, the reverse complement: NPHP1 is on the minus strand). VCF-style (leftmost placement, unchanged base first): chr2-110169940-CACT-C. GRCh37 (hg19) VCF-style: chr2-110927517-CACT-C.
Other names: c.385_387delAGT (NM_000272.3); c.385_387del, p.Ser129del (NM_000272.5, NM_001374256.1, NM_001374257.1 and 1 more transcripts); c.199_201del, p.Ser67del (NM_001128179.3); short protein forms S129del, S67del.
Identifiers: ClinVar variation 497957 (VCV000497957.9), dbSNP rs753643526, ClinGen allele CA1827401.
Genomic context (GRCh38, chr2:110,169,940, plus strand): 5'-TGTGAGATTCATTTTCCTCTTTCTCTTCCTCTTCCTCCTCTGCATCTTCTTCCTCCCCAC[CACT>C]GTCTTCACTATCTTCACTTTCACTTTCTTCCTCTTCTTCAGTAGGTGCCCCAACTCTACA-3'